The following is an entry in ClinVar:

NM_001035.3(RYR2):c.4180A>G (p.Lys1394Glu)

Gene: RYR2 (ryanodine receptor 2; plus strand). Cytogenetic location: 1q43.
Variant type: single nucleotide variant.
Coding change: c.4180A>G on transcript NM_001035.3 (MANE Select); coding-DNA position 4180, A replaced by G.
Protein change: p.Lys1394Glu; replaces lysine 1394 with glutamic acid.
Molecular consequence: missense variant.
Genome position (GRCh38, 1-based): chr1:237,591,758, A>G. VCF-style: chr1-237591758-A-G. GRCh37 (hg19) VCF-style: chr1-237755058-A-G.
Other names: short protein forms K1394E.
Identifiers: ClinVar variation 4756523 (VCV004756523.1).
Genomic context (GRCh38, chr1:237,591,758, plus strand): 5'-ATTTTAATGTTGCTTATTGTTAGTCCTCTGAAATATTTCAGATTTTTGCTTAGAAGAACA[A>G]AGCCAGATTACAGCACAAGCCATTCTGCAAGACTCACCGAAGATGTCCTTGCTGATGATC-3'
Protein context (NP_001026.2, residues 1384-1404): LKQRFLLRRT[Lys1394Glu]PDYSTSHSAR

ClinVar aggregate classification (germline): Uncertain significance (1 of 4 stars; one submission).

Conditions:
Cardiomyopathy (CMYO). Also called: Cardiomyopathies. Identifiers: Orphanet 167848, MedGen C0878544, MONDO:0004994, HP:0001638. Inheritance: Various modes of inheritance.

Submission:

Color Diagnostics, LLC DBA Color Health
Classification: Uncertain significance for Cardiomyopathy. Last evaluated: 2025-09-11. Review status: criteria provided, single submitter. Criteria: ACMG Guidelines, 2015. Collection method: clinical testing. Allele origin: germline.
Comment: This missense variant replaces lysine with glutamic acid at codon 1394 of the RYR2 protein. Computational prediction is inconclusive regarding the impact of this variant on protein structure and function. To our knowledge, functional studies have not been reported for this variant. This variant has not been reported in individuals affected with RYR2-related disorders in the literature. This variant has not been identified in the general population by the Genome Aggregation Database (gnomAD). The available evidence is insufficient to determine the role of this variant in disease conclusively. Therefore, this variant is classified as a Variant of Uncertain Significance.